The following is an entry in ClinVar:

NM_015189.3(EXOC6B):c.2365C>T (p.Arg789Ter)

Gene: EXOC6B (exocyst complex component 6B; minus strand). Cytogenetic location: 2p13.2.
Variant type: single nucleotide variant.
Coding change: c.2365C>T on transcript NM_015189.3 (MANE Select); coding-DNA position 2365, C replaced by T.
Protein change: p.Arg789Ter; replaces arginine 789 with a stop codon.
Molecular consequence: nonsense. On other transcripts: 3 prime UTR variant (1), non-coding transcript variant (2).
Genome position (GRCh38, 1-based): chr2:72,179,406, G>A on the plus strand (C>T on the coding strand, the complement: EXOC6B is on the minus strand). VCF-style: chr2-72179406-G-A. GRCh37 (hg19) VCF-style: chr2-72406535-G-A.
Other names: c.2377C>T, p.Arg793Ter (NM_001321729.2); c.2242C>T, p.Arg748Ter (NM_001321730.2); c.*93C>T (NM_001321731.2); c.2230C>T, p.Arg744Ter (NM_001321733.2); c.2038C>T, p.Arg680Ter (NM_001321734.2); short protein forms R680*, R744*, R748*, R789*, R793*.
Identifiers: ClinVar variation 2580084 (VCV002580084.1), dbSNP rs373699906, ClinGen allele CA49787786.

ClinVar aggregate classification (germline): Uncertain significance (1 of 4 stars; one submission).

Allele frequency attached by ClinVar (database versions not stated): gnomAD exomes below 0.00001; TOPMed below 0.00001; ESP Exome Variant Server 0.00008.
gnomAD v4.1: 2 of 1,613,670 alleles (0.00012%); highest among the groups gnomAD compares: Non-Finnish European, 0.00017%; no homozygotes.

Submission:

GeneDx
Classification: Uncertain significance. Last evaluated: 2023-03-17. Review status: criteria provided, single submitter. Criteria: GeneDx Variant Classification Process June 2021. Collection method: clinical testing. Allele origin: germline. Affected: yes.
Comment: Not observed at significant frequency in large population cohorts (gnomAD); Has not been previously published as pathogenic or benign to our knowledge; Nonsense variant predicted to result in protein truncation as the last 23 amino acids are lost